The following is an entry in ClinVar:

ClinVar aggregate classification (germline): Likely benign (1 of 4 stars; one submission).

Conditions:
Familial thoracic aortic aneurysm and aortic dissection (TAAD). Also called: Thoracic aortic aneurysms and dissections. Identifiers: Orphanet 91387, MedGen C4707243, MONDO:0019625.

gnomAD v4.1: 1 of 1,614,074 alleles (0.000062%); highest among the groups gnomAD compares: South Asian, 0.0011%; no homozygotes.

Submission:

All of Us Research Program, National Institutes of Health
Classification: Likely benign for Familial thoracic aortic aneurysm and aortic dissection. Last evaluated: 2024-01-11. Review status: criteria provided, single submitter. Criteria: ACMG Guidelines, 2015. Collection method: clinical testing. Allele origin: germline. Inheritance: Autosomal dominant inheritance. Observed: 1 variant allele, 1 heterozygote.
Comment: This study involves interpretation of variants in research participants for the purpose of population health screening. Participant phenotype was not available at the time of variant classification. Additional details can be found in publication PMID: 35346344, PMCID: PMC8962531

NM_001613.4(ACTA2):c.756C>A (p.Ile252=)

Genes: ACTA2 (actin alpha 2, smooth muscle; minus strand), ACTA2-AS1 (ACTA2 antisense RNA 1; plus strand). Cytogenetic location: 10q23.31.
Variant type: single nucleotide variant.
Coding change: c.756C>A on transcript NM_001613.4 (MANE Select); coding-DNA position 756, C replaced by A.
Protein change: p.Ile252=; no amino-acid change (isoleucine 252 retained).
Molecular consequence: synonymous variant. On other transcripts: non-coding transcript variant (1), intron variant (1).
Genome position (GRCh38, 1-based): chr10:88,939,559, G>T on the plus strand (C>A on the coding strand, the complement: ACTA2 is on the minus strand). VCF-style: chr10-88939559-G-T. GRCh37 (hg19) VCF-style: chr10-90699316-G-T.
Other names: c.756C>A, p.Ile252= (NM_001141945.3, NM_001320855.2, NM_001406462.1 and 2 more transcripts); c.645C>A, p.Ile215= (NM_001406466.1); c.627C>A, p.Ile209= (NM_001406467.1, NM_001406468.1, NM_001406469.1); c.617-1317C>A (NM_001406471.1).
Identifiers: ClinVar variation 3075541 (VCV003075541.1), dbSNP rs982289637, ClinGen allele CA470731065.